The following is an entry in ClinVar:

NM_002769.5(PRSS1):c.201-8C>A

Genes: PRSS1 (serine protease 1; plus strand), TRB (T cell receptor beta locus; plus strand). Cytogenetic location: 7q34.
Variant type: single nucleotide variant.
Coding change: c.201-8C>A on transcript NM_002769.5 (MANE Select); 8 bases into the intron before coding-DNA position 201, C replaced by A.
Molecular consequence: intron variant.
Genome position (GRCh38, 1-based): chr7:142,751,766, C>A. VCF-style: chr7-142751766-C-A. GRCh37 (hg19) VCF-style: chr7-142459617-C-A.
Identifiers: ClinVar variation 1784487 (VCV001784487.9), dbSNP rs1397404221, ClinGen allele CA834453563.

ClinVar aggregate classification (germline): Uncertain significance. Review status: criteria provided, multiple submitters, no conflicts (2 of 4 stars). 3 submissions from 3 submitters: Uncertain significance (3). Last evaluated 2026-03-03.

Conditions:
Hereditary pancreatitis (PCTT). Also called: Hereditary chronic pancreatitis; PRSS1-Related Hereditary Pancreatitis. Identifiers: Orphanet 676, MedGen C0238339, MONDO:0008185, OMIM 167800.

Allele frequency attached by ClinVar (database versions not stated): TOPMed below 0.00001; gnomAD 0.00001.
gnomAD v4.1: 1 of 1,614,036 alleles (0.000062%); highest among the groups gnomAD compares: Non-Finnish European, 0.000085%; no homozygotes.

Submissions (3):

Ambry Genetics
Classification: Uncertain significance for Hereditary pancreatitis. Last evaluated: 2026-03-03. Review status: criteria provided, single submitter. Criteria: Ambry Variant Classification Scheme 2023. Collection method: clinical testing. Allele origin: germline.
Comment: The c.201-8C>A intronic variant results from a C to A substitution 8 nucleotides upstream from coding exon 3 in the PRSS1 gene. This nucleotide position is not well conserved in available vertebrate species. In silico splice site analysis predicts that this alteration may result in the creation or strengthening of a novel splice acceptor site. Based on the available evidence, the clinical significance of this variant remains unclear.

Labcorp Genetics (formerly Invitae), Labcorp
Classification: Uncertain significance for Hereditary pancreatitis. Last evaluated: 2023-10-10. Review status: criteria provided, single submitter. Criteria: Invitae Variant Classification Sherloc (09022015). Collection method: clinical testing. Allele origin: germline.
Comment: This sequence change falls in intron 2 of the PRSS1 gene. It does not directly change the encoded amino acid sequence of the PRSS1 protein. This variant is not present in population databases (gnomAD no frequency). This variant has not been reported in the literature in individuals affected with PRSS1-related conditions. ClinVar contains an entry for this variant (Variation ID: 1784487). Algorithms developed to predict the effect of sequence changes on RNA splicing suggest that this variant may create or strengthen a splice site. In summary, the available evidence is currently insufficient to determine the role of this variant in disease. Therefore, it has been classified as a Variant of Uncertain Significance.

Blueprint Genetics
Classification: Uncertain significance. Last evaluated: 2022-10-05. Review status: criteria provided, single submitter. Criteria: ACMG Guidelines, 2015. Collection method: clinical testing. Allele origin: germline.